The following is an entry in ClinVar:

NM_001040716.2(PC):c.2024G>A (p.Arg675His)

Gene: PC (pyruvate carboxylase; minus strand). Cytogenetic location: 11q13.2.
Variant type: single nucleotide variant.
Coding change: c.2024G>A on transcript NM_001040716.2 (MANE Select); coding-DNA position 2024, G replaced by A.
Protein change: p.Arg675His; replaces arginine 675 with histidine.
Molecular consequence: missense variant.
Genome position (GRCh38, 1-based): chr11:66,851,239, C>T on the plus strand (G>A on the coding strand, the complement: PC is on the minus strand). VCF-style: chr11-66851239-C-T. GRCh37 (hg19) VCF-style: chr11-66618710-C-T.
Other names: c.2024G>A, p.Arg675His (NM_000920.4, NM_022172.3); short protein forms R675H.
Identifiers: ClinVar variation 1397136 (VCV001397136.6), dbSNP rs375528540, ClinGen allele CA312899.

ClinVar aggregate classification (germline): Uncertain significance. Review status: criteria provided, multiple submitters, no conflicts (2 of 4 stars). 2 submissions from 2 submitters: Uncertain significance (2). Last evaluated 2022-02-03.

Conditions:
Pyruvate carboxylase deficiency. Also called: PC DEFICIENCY; ATAXIA WITH LACTIC ACIDOSIS II; LEIGH NECROTIZING ENCEPHALOPATHY DUE TO PYRUVATE CARBOXYLASE DEFICIENCY; LEIGH SYNDROME DUE TO PYRUVATE CARBOXYLASE DEFICIENCY; Pyruvate Carboxylase Deficiency Disease. Identifiers: Orphanet 3008, MedGen C0034341, MONDO:0009949, OMIM 266150.

Allele frequency attached by ClinVar (database versions not stated): TOPMed below 0.00001; ExAC 0.00001; gnomAD 0.00001; gnomAD exomes 0.00001 and 0.00002; ESP Exome Variant Server 0.00008.
gnomAD v4.1: 11 of 1,604,040 alleles (0.00069%); highest among the groups gnomAD compares: African/African-American, 0.0013%; no homozygotes.

Submissions (2):

Fulgent Genetics
Classification: Uncertain significance for Pyruvate carboxylase deficiency. Last evaluated: 2022-02-03. Review status: criteria provided, single submitter. Criteria: ACMG Guidelines, 2015. Collection method: clinical testing. Allele origin: unknown.

Labcorp Genetics (formerly Invitae), Labcorp
Classification: Uncertain significance for Pyruvate carboxylase deficiency. Last evaluated: 2021-09-24. Review status: criteria provided, single submitter. Criteria: Invitae Variant Classification Sherloc (09022015). Collection method: clinical testing. Allele origin: germline.
Comment: This sequence change replaces arginine with histidine at codon 675 of the PC protein (p.Arg675His). The arginine residue is highly conserved and there is a small physicochemical difference between arginine and histidine. This variant is present in population databases (rs375528540, ExAC 0.002%). This variant has not been reported in the literature in individuals with PC-related conditions. Algorithms developed to predict the effect of missense changes on protein structure and function are either unavailable or do not agree on the potential impact of this missense change (SIFT: "Deleterious"; PolyPhen-2: "Probably Damaging"; Align-GVGD: "Class C0"). In summary, the available evidence is currently insufficient to determine the role of this variant in disease. Therefore, it has been classified as a Variant of Uncertain Significance.